The following is an entry in ClinVar:

NC_000009.11:g.(97873920_97876910)_(97879673_97887367)del

Gene: FANCC (FA complementation group C; minus strand). Cytogenetic location: 9q22.32.
Variant type: Deletion.
Identifiers: ClinVar variation 2501040 (VCV002501040.1).

ClinVar aggregate classification (germline): Likely pathogenic (1 of 4 stars; one submission).

Conditions:
Fanconi anemia complementation group C (FANCC). Also called: FANCC-Related Fanconi Anemia; Fanconi anemia, group C; FANCONI PANCYTOPENIA, TYPE 3; FACC. Identifiers: Orphanet 84, MedGen C3468041, MONDO:0009213, OMIM 227645.

Submission:

Women's Health and Genetics/Laboratory Corporation of America, LabCorp
Classification: Likely pathogenic for Fanconi anemia complementation group C. Last evaluated: 2023-03-15. Review status: criteria provided, single submitter. Criteria: LabCorp Variant Classification Summary - May 2015. Collection method: clinical testing. Allele origin: germline.
Comment: Variant summary: The variant identified by MLPA or other technology involves the deletion of exons 11-12 in the FANCC gene. A presumed nomenclature of c.(996+1_997-1)_(1154+1_1155-1)del has been designated for the purposes of this classification. Although exact breakpoints of this deletion are not known, it is expected to result in a frameshift in the FANCC gene, a known mechanism of disease. The variant allele was found at a frequency of 4.9e-05 in 20436 control chromosomes (gnomAD, Structural Variant Dataset). Deletion of exons 11-12 has been reported in the literature in a fetus with a phenotype of Radius aplasia and Hydrocephalus (Gabriel_2022). One clinical diagnostic laboratory has submitted clinical-significance assessments for this variant to ClinVar after 2014 and classified the variant as pathogenic. Based on the evidence outlined above, the variant was classified as likely pathogenic.

Literature cited by the submitters: PubMed 34958143.